The following is an entry in ClinVar:

ClinVar aggregate classification (germline): Uncertain significance (1 of 4 stars; one submission).

Submission:

GeneDx
Classification: Uncertain significance. Last evaluated: 2024-12-23. Review status: criteria provided, single submitter. Criteria: GeneDx Variant Classification Process June 2021. Collection method: clinical testing. Allele origin: germline. Affected: yes.
Comment: Not observed at significant frequency in large population cohorts (gnomAD); In silico analysis supports that this missense variant has a deleterious effect on protein structure/function; Has not been previously published as pathogenic or benign to our knowledge

NM_001394062.1(MACF1):c.22111A>G (p.Ser7371Gly)

Gene: MACF1 (microtubule actin crosslinking factor 1; plus strand). Cytogenetic location: 1p34.3.
Variant type: single nucleotide variant.
Coding change: c.22111A>G on transcript NM_001394062.1 (MANE Select); coding-DNA position 22111, A replaced by G.
Protein change: p.Ser7371Gly; replaces serine 7371 with glycine.
Molecular consequence: missense variant.
Genome position (GRCh38, 1-based): chr1:39,479,950, A>G. VCF-style: chr1-39479950-A-G. GRCh37 (hg19) VCF-style: chr1-39945622-A-G.
Other names: c.10102A>G, p.Ser3368Gly (NM_001397473.1); c.15847A>G, p.Ser5283Gly (NM_012090.5); short protein forms S3368G, S5283G, S7371G.
Identifiers: ClinVar variation 3907877 (VCV003907877.1).